The following is an entry in ClinVar:

NM_014855.3(AP5Z1):c.1403A>G (p.His468Arg)

Gene: AP5Z1 (adaptor related protein complex 5 subunit zeta 1; plus strand). Cytogenetic location: 7p22.1.
Variant type: single nucleotide variant.
Coding change: c.1403A>G on transcript NM_014855.3 (MANE Select); coding-DNA position 1403, A replaced by G.
Protein change: p.His468Arg; replaces histidine 468 with arginine.
Molecular consequence: missense variant. On other transcripts: non-coding transcript variant (1).
Genome position (GRCh38, 1-based): chr7:4,787,725, A>G. VCF-style: chr7-4787725-A-G. GRCh37 (hg19) VCF-style: chr7-4827356-A-G.
Other names: c.935A>G, p.His312Arg (NM_001364858.1); short protein forms H312R, H468R.
Identifiers: ClinVar variation 1921570 (VCV001921570.5), dbSNP rs2534061132, ClinGen allele CA366663008.

ClinVar aggregate classification (germline): Uncertain significance (1 of 4 stars; one submission).

Conditions:
Hereditary spastic paraplegia 48. Also called: Spastic paraplegia 48; SPASTIC PARAPLEGIA 48, AUTOSOMAL RECESSIVE. Identifiers: Orphanet 306511, MedGen C3150901, MONDO:0013342, OMIM 613647.

Allele frequency attached by ClinVar (database versions not stated): gnomAD exomes below 0.00001.
gnomAD v4.1: 1 of 1,548,982 alleles (0.000065%); highest among the groups gnomAD compares: Admixed American, 0.0019%; no homozygotes.

Submission:

Labcorp Genetics (formerly Invitae), Labcorp
Classification: Uncertain significance for Hereditary spastic paraplegia 48. Last evaluated: 2023-07-17. Review status: criteria provided, single submitter. Criteria: Invitae Variant Classification Sherloc (09022015). Collection method: clinical testing. Allele origin: germline.
Comment: In summary, the available evidence is currently insufficient to determine the role of this variant in disease. Therefore, it has been classified as a Variant of Uncertain Significance. Advanced modeling of protein sequence and biophysical properties (such as structural, functional, and spatial information, amino acid conservation, physicochemical variation, residue mobility, and thermodynamic stability) has been performed at Invitae for this missense variant, however the output from this modeling did not meet the statistical confidence thresholds required to predict the impact of this variant on AP5Z1 protein function. ClinVar contains an entry for this variant (Variation ID: 1921570). This variant has not been reported in the literature in individuals affected with AP5Z1-related conditions. This variant is not present in population databases (gnomAD no frequency). This sequence change replaces histidine, which is basic and polar, with arginine, which is basic and polar, at codon 468 of the AP5Z1 protein (p.His468Arg).